The following is an entry in ClinVar:

ClinVar aggregate classification (germline): Pathogenic (1 of 4 stars; one submission).

Conditions:
Primary open angle glaucoma (POAG). Also called: OPTN-related open angle glaucoma. Identifiers: MedGen C0339573, MONDO:0100553, OMIM 137760.
Glaucoma 1, open angle, E. Identifiers: MedGen C1842026, MONDO:0007665.
Amyotrophic lateral sclerosis type 12 (ALS12). Also called: AMYOTROPHIC LATERAL SCLEROSIS 12 WITH OR WITHOUT FRONTOTEMPORAL DEMENTIA. Identifiers: Orphanet 803, MedGen C3150692, MONDO:0013264, OMIM 613435.

Submission:

Labcorp Genetics (formerly Invitae), Labcorp
Classification: Pathogenic for Primary open angle glaucoma; Glaucoma 1, open angle, E; Amyotrophic lateral sclerosis type 12. Last evaluated: 2024-08-10. Review status: criteria provided, single submitter. Criteria: Invitae Variant Classification Sherloc (09022015). Collection method: clinical testing. Allele origin: germline.
Comment: This sequence change creates a premature translational stop signal (p.Gln53*) in the OPTN gene. It is expected to result in an absent or disrupted protein product. Loss-of-function variants in OPTN are known to be pathogenic (PMID: 20428114). This variant is not present in population databases (gnomAD no frequency). This variant has not been reported in the literature in individuals affected with OPTN-related conditions. For these reasons, this variant has been classified as Pathogenic.

Literature cited by the submitters: PubMed 20428114.

NM_001008212.2(OPTN):c.157C>T (p.Gln53Ter)

Genes: OPTN (optineurin; plus strand), LOC108903148 (10p13 OPTN distal Alu-mediated recombination region; plus strand). Cytogenetic location: 10p13.
Variant type: single nucleotide variant.
Coding change: c.157C>T on transcript NM_001008212.2 (MANE Select); coding-DNA position 157, C replaced by T.
Protein change: p.Gln53Ter; replaces glutamine 53 with a stop codon.
Molecular consequence: nonsense.
Genome position (GRCh38, 1-based): chr10:13,109,279, C>T. VCF-style: chr10-13109279-C-T. GRCh37 (hg19) VCF-style: chr10-13151279-C-T.
Other names: c.157C>T, p.Gln53Ter (NM_001008211.1, NM_001008213.1, NM_021980.4); short protein forms Q53*.
Identifiers: ClinVar variation 3749506 (VCV003749506.2).